The following is an entry in ClinVar:

NM_000548.5(TSC2):c.1443+256G>A

Gene: TSC2 (TSC complex subunit 2; plus strand). Cytogenetic location: 16p13.3.
Variant type: single nucleotide variant.
Coding change: c.1443+256G>A on transcript NM_000548.5 (MANE Select); 256 bases into the intron after coding-DNA position 1443, G replaced by A.
Molecular consequence: intron variant.
Genome position (GRCh38, 1-based): chr16:2,063,309, G>A. VCF-style: chr16-2063309-G-A. GRCh37 (hg19) VCF-style: chr16-2113310-G-A.
Other names: c.1443+256G>A (NM_001114382.3, NM_021055.3, NM_001370405.1 and 3 more transcripts); c.1332+256G>A (NM_001318827.2); c.843+256G>A (NM_001318831.2); c.1296+256G>A (NM_001318829.2); c.1476+256G>A (NM_001318832.2).
Identifiers: ClinVar variation 679761 (VCV000679761.1), dbSNP rs114236708, ClinGen allele CA14332794.

ClinVar aggregate classification (germline): Benign (1 of 4 stars; one submission).

Allele frequency attached by ClinVar (database versions not stated): gnomAD 0.02059 and 0.02214; TOPMed 0.02270; 1000 Genomes Project 0.02436; 1000 Genomes Project 30x 0.02483.
gnomAD v4.1: 4,413 of 593,820 alleles (0.74%); highest among the groups gnomAD compares: African/African-American, 7%; 158 homozygotes.

Submission:

GeneDx
Classification: Benign. Last evaluated: 2018-06-18. Review status: criteria provided, single submitter. Criteria: GeneDx Variant Classification (06012015). Collection method: clinical testing. Allele origin: germline. Affected: yes.
Comment: This variant is considered likely benign or benign based on one or more of the following criteria: it is a conservative change, it occurs at a poorly conserved position in the protein, it is predicted to be benign by multiple in silico algorithms, and/or has population frequency not consistent with disease.